The following is an entry in ClinVar:

NM_006361.6(HOXB13):c.473C>T (p.Pro158Leu)

Gene: HOXB13 (homeobox B13; minus strand). Cytogenetic location: 17q21.32.
Variant type: single nucleotide variant.
Coding change: c.473C>T on transcript NM_006361.6 (MANE Select); coding-DNA position 473, C replaced by T.
Protein change: p.Pro158Leu; replaces proline 158 with leucine.
Molecular consequence: missense variant.
Genome position (GRCh38, 1-based): chr17:48,728,121, G>A on the plus strand (C>T on the coding strand, the complement: HOXB13 is on the minus strand). VCF-style: chr17-48728121-G-A. GRCh37 (hg19) VCF-style: chr17-46805483-G-A.
Other names: short protein forms P158L.
Identifiers: ClinVar variation 936308 (VCV000936308.10), dbSNP rs1555558598, ClinGen allele CA400107381.

ClinVar aggregate classification (germline): Uncertain significance. Review status: criteria provided, multiple submitters, no conflicts (2 of 4 stars). 3 submissions from 3 submitters: Uncertain significance (3). Last evaluated 2024-05-29.

Conditions:
Hereditary cancer-predisposing syndrome. Also called: Tumor predisposition; Hereditary neoplastic syndrome; Hereditary Cancer Syndrome; Neoplastic Syndromes, Hereditary. Identifiers: Orphanet 140162, MedGen C0027672, MeSH D009386, MONDO:0015356.

Submissions (3):

GeneDx
Classification: Uncertain significance. Last evaluated: 2024-05-29. Review status: criteria provided, single submitter. Criteria: GeneDx Variant Classification Process June 2021. Collection method: clinical testing. Allele origin: germline. Affected: yes.
Comment: Not observed at significant frequency in large population cohorts (gnomAD); In silico analysis supports that this missense variant has a deleterious effect on protein structure/function; Has not been previously published as pathogenic or benign to our knowledge

Ambry Genetics
Classification: Uncertain significance for Hereditary cancer-predisposing syndrome. Last evaluated: 2024-02-28. Review status: criteria provided, single submitter. Criteria: Ambry Variant Classification Scheme 2023. Collection method: clinical testing. Allele origin: germline.
Comment: The p.P158L variant (also known as c.473C>T), located in coding exon 1 of the HOXB13 gene, results from a C to T substitution at nucleotide position 473. The proline at codon 158 is replaced by leucine, an amino acid with similar properties. This amino acid position is highly conserved in available vertebrate species. In addition, this alteration is predicted to be deleterious by in silico analysis. Since supporting evidence is limited at this time, the clinical significance of this alteration remains unclear.

Labcorp Genetics (formerly Invitae), Labcorp
Classification: Uncertain significance. Last evaluated: 2022-03-19. Review status: criteria provided, single submitter. Criteria: Invitae Variant Classification Sherloc (09022015). Collection method: clinical testing. Allele origin: germline.
Comment: This variant has not been reported in the literature in individuals affected with HOXB13-related conditions. This sequence change replaces proline, which is neutral and non-polar, with leucine, which is neutral and non-polar, at codon 158 of the HOXB13 protein (p.Pro158Leu). This variant is not present in population databases (gnomAD no frequency). ClinVar contains an entry for this variant (Variation ID: 936308). Algorithms developed to predict the effect of missense changes on protein structure and function are either unavailable or do not agree on the potential impact of this missense change (SIFT: "Tolerated"; PolyPhen-2: "Probably Damaging"; Align-GVGD: "Class C0"). In summary, the available evidence is currently insufficient to determine the role of this variant in disease. Therefore, it has been classified as a Variant of Uncertain Significance.